The following is an entry in ClinVar:

NM_139058.3(ARX):c.551C>G (p.Pro184Arg)

Gene: ARX (aristaless related homeobox; minus strand). Cytogenetic location: Xp21.3.
Variant type: single nucleotide variant.
Coding change: c.551C>G on transcript NM_139058.3 (MANE Select); coding-DNA position 551, C replaced by G.
Protein change: p.Pro184Arg; replaces proline 184 with arginine.
Molecular consequence: missense variant.
Genome position (GRCh38, 1-based): chrX:25,013,444, G>C on the plus strand (C>G on the coding strand, the complement: ARX is on the minus strand). VCF-style: chrX-25013444-G-C. GRCh37 (hg19) VCF-style: chrX-25031561-G-C.
Other names: short protein forms P184R.
Identifiers: ClinVar variation 429491 (VCV000429491.1), dbSNP rs1131691410, ClinGen allele CA412612928.

ClinVar aggregate classification (germline): Likely benign (1 of 4 stars; one submission).

Submission:

GeneDx
Classification: Likely benign. Last evaluated: 2017-12-18. Review status: criteria provided, single submitter. Criteria: GeneDx Variant Classification (06012015). Collection method: clinical testing. Allele origin: germline. Affected: yes.
Comment: This variant is considered likely benign or benign based on one or more of the following criteria: it is a conservative change, it occurs at a poorly conserved position in the protein, it is predicted to be benign by multiple in silico algorithms, and/or has population frequency not consistent with disease.